The following is an entry in ClinVar:

ClinVar aggregate classification (germline): Uncertain significance. Review status: criteria provided, multiple submitters, no conflicts (2 of 4 stars). 3 submissions from 3 submitters: Uncertain significance (3). Last evaluated 2026-01-02.

Conditions:
Familial thoracic aortic aneurysm and aortic dissection (TAAD). Also called: Thoracic aortic aneurysms and dissections. Identifiers: Orphanet 91387, MedGen C4707243, MONDO:0019625.
Congenital contractural arachnodactyly (CCA). Also called: BEALS SYNDROME; Beals-Hecht syndrome; Arthrogryposis, distal, type 9. Identifiers: Orphanet 115, MedGen C0220668, MONDO:0007363, OMIM 121050.

Allele frequency attached by ClinVar (database versions not stated): TOPMed 0.00001; gnomAD 0.00001.
gnomAD v4.1: 22 of 1,613,834 alleles (0.0014%); highest among the groups gnomAD compares: Non-Finnish European, 0.0019%; no homozygotes.

Submissions (3):

Ambry Genetics
Classification: Uncertain significance for Familial thoracic aortic aneurysm and aortic dissection. Last evaluated: 2026-01-02. Review status: criteria provided, single submitter. Criteria: Ambry Variant Classification Scheme 2023. Collection method: clinical testing. Allele origin: germline.
Comment: The p.G264D variant (also known as c.791G>A), located in coding exon 6 of the FBN2 gene, results from a G to A substitution at nucleotide position 791. The glycine at codon 264 is replaced by aspartic acid, an amino acid with similar properties. This amino acid position is conserved. In addition, this alteration is predicted to be deleterious by in silico analysis. Based on the available evidence, the clinical significance of this variant remains unclear.

Labcorp Genetics (formerly Invitae), Labcorp
Classification: Uncertain significance for Congenital contractural arachnodactyly. Last evaluated: 2025-07-07. Review status: criteria provided, single submitter. Criteria: Invitae Variant Classification Sherloc (09022015). Collection method: clinical testing. Allele origin: germline.
Comment: This sequence change replaces glycine, which is neutral and non-polar, with aspartic acid, which is acidic and polar, at codon 264 of the FBN2 protein (p.Gly264Asp). This variant is not present in population databases (gnomAD no frequency). This variant has not been reported in the literature in individuals affected with FBN2-related conditions. ClinVar contains an entry for this variant (Variation ID: 452545). Invitae Evidence Modeling of protein sequence and biophysical properties (such as structural, functional, and spatial information, amino acid conservation, physicochemical variation, residue mobility, and thermodynamic stability) indicates that this missense variant is expected to disrupt FBN2 protein function with a positive predictive value of 80%. In summary, the available evidence is currently insufficient to determine the role of this variant in disease. Therefore, it has been classified as a Variant of Uncertain Significance.

GeneDx
Classification: Uncertain significance. Last evaluated: 2017-10-03. Review status: criteria provided, single submitter. Criteria: GeneDx Variant Classification (06012015). Collection method: clinical testing. Allele origin: germline. Affected: yes.
Comment: The G264D variant in the FBN2 gene has not been reported previously as a pathogenic variant, nor as a benign variant, to our knowledge. The G264D variant is not observed in large population cohorts (Lek et al., 2016). The G264D variant is a non-conservative amino acid substitution, which is likely to impact secondary protein structure as these residues differ in polarity, charge, size and/or other properties. This substitution occurs at a position that is conserved across species. In silico analysis predicts this variant is probably damaging to the protein structure/function. We interpret G264D as a variant of uncertain significance.

NM_001999.4(FBN2):c.791G>A (p.Gly264Asp)

Gene: FBN2 (fibrillin 2; minus strand). Cytogenetic location: 5q23.3.
Variant type: single nucleotide variant.
Coding change: c.791G>A on transcript NM_001999.4 (MANE Select); coding-DNA position 791, G replaced by A.
Protein change: p.Gly264Asp; replaces glycine 264 with aspartic acid.
Molecular consequence: missense variant.
Genome position (GRCh38, 1-based): chr5:128,464,759, C>T on the plus strand (G>A on the coding strand, the complement: FBN2 is on the minus strand). VCF-style: chr5-128464759-C-T. GRCh37 (hg19) VCF-style: chr5-127800452-C-T.
Other names: short protein forms G264D.
Identifiers: ClinVar variation 452545 (VCV000452545.9), dbSNP rs746046058, ClinGen allele CA360754790.